The following is an entry in ClinVar:

ClinVar aggregate classification (germline): Uncertain significance. Review status: criteria provided, multiple submitters, no conflicts (2 of 4 stars). 2 submissions from 2 submitters: Uncertain significance (2). Last evaluated 2025-08-25.

Conditions:
Hereditary cancer-predisposing syndrome. Also called: Hereditary neoplastic syndrome; Tumor predisposition; Neoplastic Syndromes, Hereditary; Hereditary Cancer Syndrome. Identifiers: Orphanet 140162, MedGen C0027672, MeSH D009386, MONDO:0015356.
Neuroblastoma, susceptibility to, 3. Also called: ALK-Related Neuroblastic Tumor Susceptibility. Identifiers: Orphanet 635, MedGen C2751681, MONDO:0013083, OMIM 613014.

gnomAD v4.1: 8 of 1,613,762 alleles (0.0005%); highest among the groups gnomAD compares: Non-Finnish European, 0.00068%; no homozygotes.

Submissions (2):

Labcorp Genetics (formerly Invitae), Labcorp
Classification: Uncertain significance for Neuroblastoma, susceptibility to, 3. Last evaluated: 2025-08-25. Review status: criteria provided, single submitter. Criteria: Invitae Variant Classification Sherloc (09022015). Collection method: clinical testing. Allele origin: germline.
Comment: This sequence change replaces aspartic acid, which is acidic and polar, with histidine, which is basic and polar, at codon 1203 of the ALK protein (p.Asp1203His). This variant is not present in population databases (gnomAD no frequency). This variant has not been reported in the literature in individuals affected with ALK-related conditions. ClinVar contains an entry for this variant (Variation ID: 1481268). An algorithm developed to predict the effect of missense changes on protein structure and function (PolyPhen-2) suggests that this variant is likely to be disruptive. In summary, the available evidence is currently insufficient to determine the role of this variant in disease. Therefore, it has been classified as a Variant of Uncertain Significance.

Ambry Genetics
Classification: Uncertain significance for Hereditary cancer-predisposing syndrome. Last evaluated: 2024-11-25. Review status: criteria provided, single submitter. Criteria: Ambry Variant Classification Scheme 2023. Collection method: clinical testing. Allele origin: germline.
Comment: The p.D1203H variant (also known as c.3607G>C), located in coding exon 23 of the ALK gene, results from a G to C substitution at nucleotide position 3607. The aspartic acid at codon 1203 is replaced by histidine, an amino acid with similar properties. This amino acid position is conserved. In addition, this alteration is predicted to be deleterious by in silico analysis. Based on the available evidence, the clinical significance of this variant remains unclear.

NM_004304.5(ALK):c.3607G>C (p.Asp1203His)

Gene: ALK (ALK receptor tyrosine kinase; minus strand). Cytogenetic location: 2p23.2.
Variant type: single nucleotide variant.
Coding change: c.3607G>C on transcript NM_004304.5 (MANE Select); coding-DNA position 3607, G replaced by C.
Protein change: p.Asp1203His; replaces aspartic acid 1203 with histidine.
Molecular consequence: missense variant.
Genome position (GRCh38, 1-based): chr2:29,220,744, C>G on the plus strand (G>C on the coding strand, the complement: ALK is on the minus strand). VCF-style: chr2-29220744-C-G. GRCh37 (hg19) VCF-style: chr2-29443610-C-G.
Other names: c.3607G>C (NM_004304.4); c.403G>C, p.Asp135His (NM_001353765.2); short protein forms D135H, D1203H.
Identifiers: ClinVar variation 1481268 (VCV001481268.9), dbSNP rs759845895, ClinGen allele CA346473022.